The following is an entry in ClinVar:

NM_001369.3(DNAH5):c.3734G>A (p.Arg1245His)

Genes: DNAH5-AS1 (DNAH5 antisense RNA 1; plus strand), DNAH5 (dynein axonemal heavy chain 5; minus strand). Cytogenetic location: 5p15.2.
Variant type: single nucleotide variant.
Coding change: c.3734G>A on transcript NM_001369.3 (MANE Select); coding-DNA position 3734, G replaced by A.
Protein change: p.Arg1245His; replaces arginine 1245 with histidine.
Molecular consequence: missense variant.
Genome position (GRCh38, 1-based): chr5:13,870,867, C>T on the plus strand (G>A on the coding strand, the complement: DNAH5 is on the minus strand). VCF-style: chr5-13870867-C-T. GRCh37 (hg19) VCF-style: chr5-13870976-C-T.
Other names: short protein forms R1245H.
Identifiers: ClinVar variation 195808 (VCV000195808.28), dbSNP rs77939839, ClinGen allele CA242429.

ClinVar aggregate classification (germline): Conflicting classifications of pathogenicity. Review status: criteria provided, conflicting classifications (1 of 4 stars). 8 submissions from 8 submitters: Uncertain significance (3); Benign (1); Likely benign (2). 2 of the submissions do not count toward it. Last evaluated 2026-02-05.

Conditions:
DNAH5-related disorder. Also called: DNAH5-related condition.
Primary ciliary dyskinesia. Also called: Ciliary dyskinesia. Identifiers: Orphanet 244, MedGen C0008780, MONDO:0016575, HP:0012265.
Primary ciliary dyskinesia 3. Identifiers: Orphanet 244, MedGen C1837618, MONDO:0012085, OMIM 608644.

Allele frequency attached by ClinVar (database versions not stated): gnomAD exomes 0.00053; ExAC 0.00060; 1000 Genomes Project 0.00120; 1000 Genomes Project 30x 0.00125; ESP Exome Variant Server 0.00161; gnomAD 0.00172; TOPMed 0.00246.
gnomAD v4.1: 743 of 1,613,776 alleles (0.046%); highest among the groups gnomAD compares: African/African-American, 0.69%; 3 homozygotes.

Submissions (8):

GeneDx
Classification: Uncertain significance. Last evaluated: 2026-02-05. Review status: criteria provided, single submitter. Criteria: GeneDx Variant Classification Process June 2021. Collection method: clinical testing. Allele origin: germline. Affected: yes.
Comment: In silico analysis supports that this missense variant has a deleterious effect on protein structure/function; Has not been previously published as pathogenic or benign to our knowledge

Labcorp Genetics (formerly Invitae), Labcorp
Classification: Likely benign for Primary ciliary dyskinesia. Last evaluated: 2026-01-23. Review status: criteria provided, single submitter. Criteria: Invitae Variant Classification Sherloc (09022015). Collection method: clinical testing. Allele origin: germline.

Blueprint Genetics
Classification: Likely benign. Last evaluated: 2024-11-26. Review status: criteria provided, single submitter. Criteria: ACMG Guidelines, 2015. Collection method: clinical testing. Allele origin: germline.

Illumina Laboratory Services, Illumina
Classification: Uncertain significance for Primary ciliary dyskinesia 3. Last evaluated: 2018-01-13. Review status: criteria provided, single submitter. Criteria: ICSL Variant Classification Criteria 13 December 2019. Collection method: clinical testing. Allele origin: germline.

Ambry Genetics
Classification: Benign for Primary ciliary dyskinesia. Last evaluated: 2015-10-14. Review status: criteria provided, single submitter. Criteria: Ambry Variant Classification Scheme 2023. Collection method: clinical testing. Allele origin: germline.

Eurofins Ntd Llc (ga)
Classification: Uncertain significance. Last evaluated: 2015-03-13. Review status: criteria provided, single submitter. Criteria: EGL Classification Definitions 2015. Collection method: clinical testing. Allele origin: germline. Observed: 1 variant allele, 1 heterozygote.

PreventionGenetics, part of Exact Sciences
Classification: Likely benign for DNAH5-related condition. Last evaluated: 2020-05-18. Review status: no assertion criteria provided. Collection method: clinical testing. Allele origin: germline. Not counted in ClinVar's aggregate classification.
Comment: This variant is classified as likely benign based on ACMG/AMP sequence variant interpretation guidelines (Richards et al. 2015 PMID: 25741868, with internal and published modifications).

Natera, Inc.
Classification: Uncertain significance for Primary ciliary dyskinesia. Last evaluated: 2019-11-11. Review status: no assertion criteria provided. Collection method: clinical testing. Allele origin: germline. Not counted in ClinVar's aggregate classification.